The following is an entry in ClinVar:

ClinVar aggregate classification (germline): Uncertain significance. Review status: criteria provided, multiple submitters, no conflicts (2 of 4 stars). 2 submissions from 2 submitters: Uncertain significance (2). Last evaluated 2018-11-15.

Conditions:
Age related macular degeneration 2. Also called: MACULAR DEGENERATION, SENILE; MACULOPATHY, AGE-RELATED, 2; MACULOPATHY, AGE-RELATED. Identifiers: MedGen C3495438, MONDO:0007932, OMIM 153800.

Allele frequency attached by ClinVar (database versions not stated): TOPMed below 0.00001.

Submissions (2):

Centre for Mendelian Genomics, University Medical Centre Ljubljana
Classification: Uncertain significance for Age related macular degeneration 2. Last evaluated: 2018-11-15. Review status: criteria provided, single submitter. Criteria: ACMG Guidelines, 2015. Collection method: clinical testing. Allele origin: unknown. Affected: yes.
Comment: This variant was classified as: Uncertain significance. The available evidence favors the pathogenic nature of this variant, however the currently available data is insufficient to conclusively support its pathogenic nature. Thus this variant is classified as Uncertain significance - favor pathogenic. The following ACMG criteria were applied in classifying this variant: PM2,PP3,PP4.

Blueprint Genetics
Classification: Uncertain significance. Last evaluated: 2018-06-20. Review status: criteria provided, single submitter. Criteria: ACMG Guidelines, 2015. Collection method: clinical testing. Allele origin: germline.

NM_000350.3(ABCA4):c.785A>G (p.Asp262Gly)

Gene: ABCA4 (ATP binding cassette subfamily A member 4; minus strand). Cytogenetic location: 1p22.1.
Variant type: single nucleotide variant.
Coding change: c.785A>G on transcript NM_000350.3 (MANE Select); coding-DNA position 785, A replaced by G.
Protein change: p.Asp262Gly; replaces aspartic acid 262 with glycine.
Molecular consequence: missense variant.
Genome position (GRCh38, 1-based): chr1:94,083,425, T>C on the plus strand (A>G on the coding strand, the complement: ABCA4 is on the minus strand). VCF-style: chr1-94083425-T-C. GRCh37 (hg19) VCF-style: chr1-94548981-T-C.
Other names: c.785A>G, p.Asp262Gly (NM_001425324.1); short protein forms D262G.
Identifiers: ClinVar variation 931937 (VCV000931937.4), dbSNP rs1661753710, ClinGen allele CA341285191.